The following is an entry in ClinVar:

NM_005857.5(ZMPSTE24):c.*723C>T

Gene: ZMPSTE24 (zinc metallopeptidase STE24; plus strand). Cytogenetic location: 1p34.2.
Variant type: single nucleotide variant.
Coding change: c.*723C>T on transcript NM_005857.5 (MANE Select); 723 bases downstream of the stop codon, C replaced by T.
Molecular consequence: 3 prime UTR variant.
Genome position (GRCh38, 1-based): chr1:40,293,392, C>T. VCF-style: chr1-40293392-C-T. GRCh37 (hg19) VCF-style: chr1-40759064-C-T.
Other names: c.*723C>T (LRG_212t1).
Identifiers: ClinVar variation 140500 (VCV000140500.6), dbSNP rs10489431, ClinGen allele CA232707.
Genomic context (GRCh38, chr1:40,293,392, plus strand): 5'-TTTTTTTGTTTGTTTGTTTCTTTTGTTTTTTGGAAAATCCGTGTCTTTATCTTTTTTTCC[C>T]ACGTGGTAGATATGATCCCATTGGAGGTAAATTGTAGCTTCTTCTCATTCATGCAGTAAA-3'

ClinVar aggregate classification (germline): Benign. Review status: criteria provided, multiple submitters, no conflicts (2 of 4 stars). 4 submissions from 3 submitters: Benign (3). 1 of the submissions does not count toward it. Last evaluated 2018-01-13.

Conditions:
Lethal tight skin contracture syndrome. Also called: RESTRICTIVE DERMOPATHY, LETHAL; FETAL HYPOKINESIA SEQUENCE DUE TO RESTRICTIVE DERMOPATHY; HYPERKERATOSIS-CONTRACTURE SYNDROME; Restrictive dermopathy. Identifiers: Orphanet 1662, MedGen C0406585, MONDO:0031213.
Mandibuloacral dysplasia with type B lipodystrophy (MADB). Also called: LIPODYSTROPHY, TYPE B, ASSOCIATED WITH MANDIBULOACRAL DYSPLASIA. Identifiers: Orphanet 2457, Orphanet 90154, MedGen C1837756, MONDO:0012074, OMIM 608612.

Allele frequency attached by ClinVar (database versions not stated): gnomAD exomes 0.06250; gnomAD 0.07425 and 0.08029; 1000 Genomes Project 30x 0.12180; TOPMed 0.08426; 1000 Genomes Project 0.12620.
gnomAD v4.1: 12,201 of 151,602 alleles (8%); highest among the groups gnomAD compares: East Asian, 23%; 629 homozygotes.

Submissions (4):

Illumina Laboratory Services, Illumina
Classification: Benign for Mandibuloacral dysplasia with type B lipodystrophy. Last evaluated: 2018-01-13. Review status: criteria provided, single submitter. Criteria: ICSL Variant Classification Criteria 13 December 2019. Collection method: clinical testing. Allele origin: germline.
Comment: This variant was observed in the ICSL laboratory as part of a predisposition screen in an ostensibly healthy population. It had not been previously curated by ICSL or reported in the Human Gene Mutation Database (HGMD: prior to June 1st, 2018), and was therefore a candidate for classification through an automated scoring system. Utilizing variant allele frequency, disease prevalence and penetrance estimates, and inheritance mode, an automated score was calculated to assess if this variant is too frequent to cause the disease. Based on the score and internal cut-off values, a variant classified as benign is not then subjected to further curation. The score for this variant resulted in a classification of benign for this disease.

Illumina Laboratory Services, Illumina
Classification: Benign for Restrictive dermopathy 1. Last evaluated: 2018-01-13. Review status: criteria provided, single submitter. Criteria: ICSL Variant Classification Criteria 13 December 2019. Collection method: clinical testing. Allele origin: germline.
Comment: the same text as in the submission from Illumina Laboratory Services, Illumina above.

Breakthrough Genomics
Classification: Benign. Review status: criteria provided, single submitter. Criteria: ACMG Guidelines, 2015. Collection method: not provided. Allele origin: germline. Inheritance: Autosomal recessive inheritance. Affected: yes.

ZMPSTE24 homepage - Leiden Muscular Dystrophy pages
No classification provided. Review status: no classification provided. Collection method: not provided. Allele origin: germline. Not counted in ClinVar's aggregate classification.
Comment: no known functional consequence